The following is an entry in ClinVar:

ClinVar aggregate classification (germline): Uncertain significance (1 of 4 stars; one submission).

gnomAD v4.1: 2 of 1,209,049 alleles (0.00017%); highest among the groups gnomAD compares: Non-Finnish European, 0.00022%; no homozygotes.

Submission:

Labcorp Genetics (formerly Invitae), Labcorp
Classification: Uncertain significance. Last evaluated: 2022-09-12. Review status: criteria provided, single submitter. Criteria: Invitae Variant Classification Sherloc (09022015). Collection method: clinical testing. Allele origin: germline.
Comment: Advanced modeling of protein sequence and biophysical properties (such as structural, functional, and spatial information, amino acid conservation, physicochemical variation, residue mobility, and thermodynamic stability) performed at Invitae indicates that this missense variant is not expected to disrupt COL4A6 protein function. In summary, the available evidence is currently insufficient to determine the role of this variant in disease. Therefore, it has been classified as a Variant of Uncertain Significance. This variant has not been reported in the literature in individuals affected with COL4A6-related conditions. This variant is not present in population databases (gnomAD no frequency). This sequence change replaces proline, which is neutral and non-polar, with serine, which is neutral and polar, at codon 1281 of the COL4A6 protein (p.Pro1281Ser).

NM_033641.4(COL4A6):c.3838C>T (p.Pro1280Ser)

Gene: COL4A6 (collagen type IV alpha 6 chain; minus strand). Cytogenetic location: Xq22.3.
Variant type: single nucleotide variant.
Coding change: c.3838C>T on transcript NM_033641.4 (MANE Select); coding-DNA position 3838, C replaced by T.
Protein change: p.Pro1280Ser; replaces proline 1280 with serine.
Molecular consequence: missense variant.
Genome position (GRCh38, 1-based): chrX:108,165,009, G>A on the plus strand (C>T on the coding strand, the complement: COL4A6 is on the minus strand). VCF-style: chrX-108165009-G-A. GRCh37 (hg19) VCF-style: chrX-107408239-G-A.
Other names: c.3889C>T, p.Pro1297Ser (NM_001287758.2); c.3766C>T, p.Pro1256Ser (NM_001287759.2, NM_001287760.2); c.3841C>T, p.Pro1281Ser (NM_001847.4); short protein forms P1256S, P1281S, P1280S, P1297S.
Identifiers: ClinVar variation 1905110 (VCV001905110.5), dbSNP rs368876473, ClinGen allele CA334036107.